The following is an entry in ClinVar:

ClinVar aggregate classification (germline): Uncertain significance. Review status: criteria provided, multiple submitters, no conflicts (2 of 4 stars). 2 submissions from 2 submitters: Uncertain significance (2). Last evaluated 2025-11-26.

Conditions:
Inborn genetic diseases. Identifiers: MedGen C0950123, MeSH D030342.

Submissions (2):

Ambry Genetics
Classification: Uncertain significance for Inborn genetic diseases. Last evaluated: 2025-11-26. Review status: criteria provided, single submitter. Criteria: Ambry Variant Classification Scheme 2023. Collection method: clinical testing. Allele origin: germline.
Comment: The p.A72V variant (also known as c.215C>T), located in coding exon 2 of the MBD4 gene, results from a C to T substitution at nucleotide position 215. The alanine at codon 72 is replaced by valine, an amino acid with similar properties. This amino acid position is conserved. In addition, this alteration is predicted to be tolerated by in silico analysis. Based on the available evidence, the clinical significance of this variant remains unclear.

Labcorp Genetics (formerly Invitae), Labcorp
Classification: Uncertain significance. Last evaluated: 2024-03-20. Review status: criteria provided, single submitter. Criteria: Invitae Variant Classification Sherloc (09022015). Collection method: clinical testing. Allele origin: germline.
Comment: This sequence change replaces alanine, which is neutral and non-polar, with valine, which is neutral and non-polar, at codon 72 of the MBD4 protein (p.Ala72Val). This variant is not present in population databases (gnomAD no frequency). This variant has not been reported in the literature in individuals affected with MBD4-related conditions. An algorithm developed to predict the effect of missense changes on protein structure and function (PolyPhen-2) suggests that this variant is likely to be tolerated. In summary, the available evidence is currently insufficient to determine the role of this variant in disease. Therefore, it has been classified as a Variant of Uncertain Significance.

NM_001276270.2(MBD4):c.215C>T (p.Ala72Val)

Gene: MBD4 (methyl-CpG binding domain 4, DNA glycosylase; minus strand). Cytogenetic location: 3q21.3.
Variant type: single nucleotide variant.
Coding change: c.215C>T on transcript NM_001276270.2 (MANE Select); coding-DNA position 215, C replaced by T.
Protein change: p.Ala72Val; replaces alanine 72 with valine.
Molecular consequence: missense variant.
Genome position (GRCh38, 1-based): chr3:129,437,840, G>A on the plus strand (C>T on the coding strand, the complement: MBD4 is on the minus strand). VCF-style: chr3-129437840-G-A. GRCh37 (hg19) VCF-style: chr3-129156683-G-A.
Other names: c.215C>T, p.Ala72Val (NM_001276271.2, NM_001276272.2, NM_001276273.2 and 1 more transcripts); short protein forms A72V.
Identifiers: ClinVar variation 3624120 (VCV003624120.3).